The following is an entry in ClinVar:

NM_001379500.1(COL18A1):c.2380-4G>T

Gene: COL18A1 (collagen type XVIII alpha 1 chain; plus strand). Cytogenetic location: 21q22.3.
Variant type: single nucleotide variant.
Coding change: c.2380-4G>T on transcript NM_001379500.1 (MANE Select); 4 bases into the intron before coding-DNA position 2380, G replaced by T.
Molecular consequence: intron variant.
Genome position (GRCh38, 1-based): chr21:45,494,858, G>T. VCF-style: chr21-45494858-G-T. GRCh37 (hg19) VCF-style: chr21-46914772-G-T.
Other names: c.3625-4G>T (NM_130444.3); c.2920-4G>T (NM_030582.4, NM_030582.3).
Identifiers: ClinVar variation 1542831 (VCV001542831.10), dbSNP rs773115477, ClinGen allele CA10067061.

ClinVar aggregate classification (germline): Likely benign. Review status: criteria provided, multiple submitters, no conflicts (2 of 4 stars). 2 submissions from 2 submitters: Likely benign (2). Last evaluated 2026-01-26.

Conditions:
COL18A1-related disorder. Also called: COL18A1-related condition; COL18A1-related disorders.

Allele frequency attached by ClinVar (database versions not stated): gnomAD exomes 0.00003 and 0.00012; ExAC 0.00004; gnomAD 0.00005 and 0.00006.

Submissions (2):

Labcorp Genetics (formerly Invitae), Labcorp
Classification: Likely benign. Last evaluated: 2026-01-26. Review status: criteria provided, single submitter. Criteria: Invitae Variant Classification Sherloc (09022015). Collection method: clinical testing. Allele origin: germline.

PreventionGenetics, part of Exact Sciences
Classification: Likely benign for COL18A1-related condition. Last evaluated: 2025-03-09. Review status: criteria provided, single submitter. Criteria: ACMG Guidelines, 2015. Collection method: clinical testing. Allele origin: germline.
Comment: This variant is classified as likely benign based on ACMG/AMP sequence variant interpretation guidelines (Richards et al. 2015 PMID: 25741868, with internal and published modifications).